The following is an entry in ClinVar:

NM_015662.3(IFT172):c.4815+9G>A

Genes: KRTCAP3 (keratinocyte associated protein 3; plus strand), IFT172 (intraflagellar transport 172; minus strand). Cytogenetic location: 2p23.3.
Variant type: single nucleotide variant.
Coding change: c.4815+9G>A on transcript NM_015662.3 (MANE Select); 9 bases into the intron after coding-DNA position 4815, G replaced by A.
Molecular consequence: intron variant.
Genome position (GRCh38, 1-based): chr2:27,445,920, C>T on the plus strand (G>A on the coding strand, the complement: IFT172 is on the minus strand). VCF-style: chr2-27445920-C-T. GRCh37 (hg19) VCF-style: chr2-27668787-C-T.
Other names: c.*6-381C>T (NM_001168364.2); c.4749+9G>A (NM_001410739.1).
Identifiers: ClinVar variation 388317 (VCV000388317.15), dbSNP rs199667794, ClinGen allele CA1579465.

ClinVar aggregate classification (germline): Benign/Likely benign. Review status: criteria provided, multiple submitters, no conflicts (2 of 4 stars). 4 submissions from 4 submitters: Benign (1); Likely benign (3). Last evaluated 2026-01-20.

Conditions:
Retinitis pigmentosa 71 (RP71). Identifiers: Orphanet 791, MedGen C4225342, MONDO:0014618, OMIM 616394.
Short-rib thoracic dysplasia 10 with or without polydactyly (SRTD10). Identifiers: Orphanet 474, MedGen C3810175, MONDO:0014284, OMIM 615630.
Bardet-Biedl syndrome 20. Identifiers: MedGen C4310707, MONDO:0023670, OMIM 619471, MONDO:0014926.

Allele frequency attached by ClinVar (database versions not stated): TOPMed 0.00016; ExAC 0.00026; gnomAD exomes 0.00039 and 0.00017; gnomAD 0.00019; ESP Exome Variant Server 0.00031.
gnomAD v4.1: 309 of 1,614,110 alleles (0.019%); highest among the groups gnomAD compares: Admixed American, 0.0083%; no homozygotes.

Submissions (4):

Labcorp Genetics (formerly Invitae), Labcorp
Classification: Benign for Retinitis pigmentosa 71; Short-rib thoracic dysplasia 10 with or without polydactyly. Last evaluated: 2026-01-20. Review status: criteria provided, single submitter. Criteria: Invitae Variant Classification Sherloc (09022015). Collection method: clinical testing. Allele origin: germline.

Blueprint Genetics
Classification: Likely benign. Last evaluated: 2024-10-11. Review status: criteria provided, single submitter. Criteria: ACMG Guidelines, 2015. Collection method: clinical testing. Allele origin: germline.

Fulgent Genetics
Classification: Likely benign for Short-rib thoracic dysplasia 10 with or without polydactyly; Retinitis pigmentosa 71; Bardet-Biedl syndrome 20. Last evaluated: 2021-09-08. Review status: criteria provided, single submitter. Criteria: ACMG Guidelines, 2015. Collection method: clinical testing. Allele origin: unknown.

GeneDx
Classification: Likely benign. Last evaluated: 2016-08-08. Review status: criteria provided, single submitter. Criteria: GeneDx Variant Classification (06012015). Collection method: clinical testing. Allele origin: germline. Affected: yes.
Comment: This variant is considered likely benign or benign based on one or more of the following criteria: it is a conservative change, it occurs at a poorly conserved position in the protein, it is predicted to be benign by multiple in silico algorithms, and/or has population frequency not consistent with disease.